The following is an entry in ClinVar:

NM_000548.5(TSC2):c.1946+6C>G

Gene: TSC2 (TSC complex subunit 2; plus strand). Cytogenetic location: 16p13.3.
Variant type: single nucleotide variant.
Coding change: c.1946+6C>G on transcript NM_000548.5 (MANE Select); 6 bases into the intron after coding-DNA position 1946, C replaced by G.
Molecular consequence: intron variant.
Genome position (GRCh38, 1-based): chr16:2,071,622, C>G. VCF-style: chr16-2071622-C-G. GRCh37 (hg19) VCF-style: chr16-2121623-C-G.
Other names: c.1946+6C>G (NM_001114382.3, NM_021055.3, NM_001370405.1 and 3 more transcripts); c.1835+6C>G (NM_001318827.2); c.1346+6C>G (NM_001318831.2); c.1799+6C>G (NM_001318829.2); c.1979+6C>G (NM_001318832.2).
Identifiers: ClinVar variation 581313 (VCV000581313.11), dbSNP rs754069880, ClinGen allele CA891844067.

ClinVar aggregate classification (germline): Uncertain significance (1 of 4 stars; one submission).

Conditions:
Tuberous sclerosis 2 (TSC2). Identifiers: Orphanet 805, MedGen C1860707, MONDO:0013199, OMIM 613254.

Submission:

Labcorp Genetics (formerly Invitae), Labcorp
Classification: Uncertain significance for Tuberous sclerosis 2. Last evaluated: 2025-04-28. Review status: criteria provided, single submitter. Criteria: Invitae Variant Classification Sherloc (09022015). Collection method: clinical testing. Allele origin: germline.
Comment: This sequence change falls in intron 18 of the TSC2 gene. It does not directly change the encoded amino acid sequence of the TSC2 protein. It affects a nucleotide within the consensus splice site. This variant is not present in population databases (gnomAD no frequency). This variant has not been reported in the literature in individuals affected with TSC2-related conditions. ClinVar contains an entry for this variant (Variation ID: 581313). Variants that disrupt the consensus splice site are a relatively common cause of aberrant splicing (PMID: 17576681, 9536098). Algorithms developed to predict the effect of sequence changes on RNA splicing suggest that this variant is not likely to affect RNA splicing. In summary, the available evidence is currently insufficient to determine the role of this variant in disease. Therefore, it has been classified as a Variant of Uncertain Significance.

Literature cited by the submitters: PubMed 17576681; PubMed 9536098.